The following is an entry in ClinVar:

NM_176869.3(PPA2):c.20_41del (p.Leu7fs)

Gene: PPA2 (inorganic pyrophosphatase 2; minus strand). Cytogenetic location: 4q24.
Variant type: Deletion.
Coding change: c.20_41del on transcript NM_176869.3 (MANE Select); coding-DNA positions 20 to 41, 22 bases deleted (TGCTGCGCACGGGTGCCCCAGC).
Protein change: p.Leu7fs; shifts the reading frame from leucine 7.
Molecular consequence: frameshift variant.
Genome position (GRCh38, 1-based): chr4:105,474,010-105,474,031, GCTGGGGCACCCGTGCGCAGCA deleted on the plus strand (TGCTGCGCACGGGTGCCCCAGC on the coding strand, the reverse complement: PPA2 is on the minus strand); deleting any 22 consecutive bases within chr4:105,474,010-105,474,033 gives the same sequence; the c. name uses the placement nearest the transcript's 3' end. VCF-style (leftmost placement, unchanged base first): chr4-105474009-GGCTGGGGCACCCGTGCGCAGCA-G. GRCh37 (hg19) VCF-style: chr4-106395166-GGCTGGGGCACCCGTGCGCAGCA-G.
Other names: c.20_41del, p.Leu7fs (NM_006903.4, NM_176866.2, NM_176867.3); short protein forms L7fs.
Identifiers: ClinVar variation 2616534 (VCV002616534.2), dbSNP rs2477373941, ClinGen allele CA2582342659.
Genomic context (GRCh38, chr4:105,474,009, plus strand): 5'-CAGGGCCATAGCACGGCGCGACCCGGTCCCTGCACTGGTCCCCAACCGCAGGCACGCAGC[GGCTGGGGCACCCGTGCGCAGCA>G]GCCGCAGCAGCGCGCTCATGGCGTCAATGACGGTCCTGCTGTGCGCGCGGAGCTACCTGG-3'

ClinVar aggregate classification (germline): Uncertain significance (1 of 4 stars; one submission).

Conditions:
Inborn genetic diseases. Identifiers: MedGen C0950123, MeSH D030342.

Submission:

Ambry Genetics
Classification: Uncertain significance for Inborn genetic diseases. Last evaluated: 2023-08-23. Review status: criteria provided, single submitter. Criteria: Ambry Variant Classification Scheme 2023. Collection method: clinical testing. Allele origin: germline.
Comment: May escape nonsense-mediated mRNA decay and/or be rescued by re-initiation Based on insufficient or conflicting evidence, the clinical significance of this alteration remains unclear.